The following is an entry in ClinVar:

NM_018341.3(ERMARD):c.1795T>C (p.Leu599=)

Gene: ERMARD (ER membrane associated RNA degradation; plus strand). Cytogenetic location: 6q27.
Variant type: single nucleotide variant.
Coding change: c.1795T>C on transcript NM_018341.3 (MANE Select); coding-DNA position 1795, T replaced by C.
Protein change: p.Leu599=; no amino-acid change (leucine 599 retained).
Molecular consequence: synonymous variant.
Genome position (GRCh38, 1-based): chr6:169,779,237, T>C. VCF-style: chr6-169779237-T-C. GRCh37 (hg19) VCF-style: chr6-170179333-T-C.
Other names: c.1654T>C, p.Leu552= (NM_001278531.2); c.1417T>C, p.Leu473= (NM_001278532.2); c.1576T>C, p.Leu526= (NM_001278533.2).
Identifiers: ClinVar variation 710848 (VCV000710848.10), dbSNP rs139551055, ClinGen allele CA4106433.
Genomic context (GRCh38, chr6:169,779,237, plus strand): 5'-TTTAGTATCAGACTACTGTCCCCTGTGCTCAGCCTGATACTGTTACTCATTGCGCTGGAG[T>C]TGGTCAACATTCATGCTGTTTGTGGGAAGAATGCGCATGAGTATCAGCAGTACCTAAAGT-3'
Protein context (NP_060811.1, residues 589-609): SLILLLIALE[Leu599=]VNIHAVCGKN

ClinVar aggregate classification (germline): Likely benign. Review status: criteria provided, multiple submitters, no conflicts (2 of 4 stars). 3 submissions from 3 submitters: Likely benign (3). Last evaluated 2026-09-01.

Allele frequency attached by ClinVar (database versions not stated): ExAC 0.00017; gnomAD exomes 0.00022; TOPMed 0.00036; ESP Exome Variant Server 0.00038.
gnomAD v4.1: 615 of 1,614,170 alleles (0.038%); highest among the groups gnomAD compares: Non-Finnish European, 0.05%; no homozygotes.

Submissions (3):

CeGaT Center for Human Genetics Tuebingen
Classification: Likely benign. Last evaluated: 2026-09-01. Review status: criteria provided, single submitter. Criteria: CeGaT Center For Human Genetics Tuebingen Variant Classification Criteria Version 2. Collection method: clinical testing. Allele origin: germline. Affected: yes. Observed: 1 variant allele.
Comment: ERMARD: BP4, BP7

Blueprint Genetics
Classification: Likely benign. Last evaluated: 2024-11-08. Review status: criteria provided, single submitter. Criteria: ACMG Guidelines, 2015. Collection method: clinical testing. Allele origin: germline.

Labcorp Genetics (formerly Invitae), Labcorp
Classification: Likely benign. Last evaluated: 2024-10-30. Review status: criteria provided, single submitter. Criteria: Invitae Variant Classification Sherloc (09022015). Collection method: clinical testing. Allele origin: germline.